The following is an entry in ClinVar:

NM_000038.6(APC):c.3663T>C (p.Pro1221=)

Gene: APC (APC regulator of Wnt signaling pathway; plus strand). Cytogenetic location: 5q22.2.
Variant type: single nucleotide variant.
Coding change: c.3663T>C on transcript NM_000038.6 (MANE Select); coding-DNA position 3663, T replaced by C.
Protein change: p.Pro1221=; no amino-acid change (proline 1221 retained).
Molecular consequence: synonymous variant.
Genome position (GRCh38, 1-based): chr5:112,839,257, T>C. VCF-style: chr5-112839257-T-C. GRCh37 (hg19) VCF-style: chr5-112174954-T-C.
Other names: c.3663T>C, p.Pro1221= (NM_001127510.3, NM_001354895.2); c.3609T>C, p.Pro1203= (NM_001127511.3); c.3717T>C, p.Pro1239= (NM_001354896.2); c.3693T>C, p.Pro1231= (NM_001354897.2); c.3588T>C, p.Pro1196= (NM_001354898.2); c.3579T>C, p.Pro1193= (NM_001354899.2); c.3540T>C, p.Pro1180= (NM_001354900.2); c.3486T>C, p.Pro1162= (NM_001354901.2); and 5 more.
Identifiers: ClinVar variation 132718 (VCV000132718.7), dbSNP rs587780541, ClinGen allele CA008619.

ClinVar aggregate classification (germline): Benign/Likely benign. Review status: criteria provided, multiple submitters, no conflicts (2 of 4 stars). 3 submissions from 3 submitters: Benign (1); Likely benign (2). Last evaluated 2026-02-18.

Conditions:
Hereditary cancer-predisposing syndrome. Also called: Neoplastic Syndromes, Hereditary; Hereditary neoplastic syndrome; Tumor predisposition; Hereditary Cancer Syndrome. Identifiers: Orphanet 140162, MedGen C0027672, MeSH D009386, MONDO:0015356.
Familial adenomatous polyposis 1 (FAP1). Also called: FAMILIAL ADENOMATOUS POLYPOSIS 1, ATTENUATED; POLYPOSIS, ADENOMATOUS INTESTINAL. Identifiers: MedGen C2713442, MONDO:0021056, OMIM 175100. Disease mechanism: loss of function.

Submissions (3):

Ambry Genetics
Classification: Likely benign for Hereditary cancer-predisposing syndrome. Last evaluated: 2026-02-18. Review status: criteria provided, single submitter. Criteria: Ambry Variant Classification Scheme 2023. Collection method: clinical testing. Allele origin: germline.

Myriad Genetics, Inc.
Classification: Benign for Familial adenomatous polyposis 1. Last evaluated: 2024-03-21. Review status: criteria provided, single submitter. Criteria: Myriad Autosomal Dominant, Autosomal Recessive and X-Linked Classification Criteria (2023). Collection method: clinical testing. Allele origin: unknown.
Comment: This variant is considered benign. This variant is a silent/synonymous amino acid change and it is not expected to impact splicing.

Labcorp Genetics (formerly Invitae), Labcorp
Classification: Likely benign for Familial adenomatous polyposis 1. Last evaluated: 2022-03-19. Review status: criteria provided, single submitter. Criteria: Invitae Variant Classification Sherloc (09022015). Collection method: clinical testing. Allele origin: germline.